The following is an entry in ClinVar:

ClinVar aggregate classification (germline): Uncertain significance. Review status: criteria provided, multiple submitters, no conflicts (2 of 4 stars). 2 submissions from 2 submitters: Uncertain significance (2). Last evaluated 2021-04-02.

Allele frequency attached by ClinVar (database versions not stated): gnomAD exomes 0.00001; ExAC 0.00003.
gnomAD v4.1: 4 of 1,613,222 alleles (0.00025%); highest among the groups gnomAD compares: Non-Finnish European, 0.00025%; no homozygotes.

Submissions (2):

Labcorp Genetics (formerly Invitae), Labcorp
Classification: Uncertain significance. Last evaluated: 2021-04-02. Review status: criteria provided, single submitter. Criteria: Invitae Variant Classification Sherloc (09022015). Collection method: clinical testing. Allele origin: germline.
Comment: This sequence change replaces cysteine with tyrosine at codon 273 of the LAMC3 protein (p.Cys273Tyr). The cysteine residue is highly conserved and there is a large physicochemical difference between cysteine and tyrosine. In summary, the available evidence is currently insufficient to determine the role of this variant in disease. Therefore, it has been classified as a Variant of Uncertain Significance. Algorithms developed to predict the effect of missense changes on protein structure and function (SIFT, PolyPhen-2, Align-GVGD) all suggest that this variant is likely to be disruptive, but these predictions have not been confirmed by published functional studies and their clinical significance is uncertain. This variant has not been reported in the literature in individuals with LAMC3-related conditions. ClinVar contains an entry for this variant (Variation ID: 435742). This variant is present in population databases (rs747699617, ExAC 0.02%).

Genetic Services Laboratory, University of Chicago
Classification: Uncertain significance. Last evaluated: 2016-08-02. Review status: criteria provided, single submitter. Criteria: ACMG Guidelines, 2015. Collection method: clinical testing. Allele origin: germline. Affected: no.

NM_006059.4(LAMC3):c.818G>A (p.Cys273Tyr)

Gene: LAMC3 (laminin subunit gamma 3; plus strand). Cytogenetic location: 9q34.12.
Variant type: single nucleotide variant.
Coding change: c.818G>A on transcript NM_006059.4 (MANE Select); coding-DNA position 818, G replaced by A.
Protein change: p.Cys273Tyr; replaces cysteine 273 with tyrosine.
Molecular consequence: missense variant.
Genome position (GRCh38, 1-based): chr9:131,036,174, G>A. VCF-style: chr9-131036174-G-A. GRCh37 (hg19) VCF-style: chr9-133911561-G-A.
Other names: short protein forms C273Y.
Identifiers: ClinVar variation 435742 (VCV000435742.11), dbSNP rs747699617, ClinGen allele CA5286838.
Genomic context (GRCh38, chr9:131,036,174, plus strand): 5'-TCTGCCCTGCCGGCACCTGCGGGTCCCCTTCCTCCTCTGTGTCTTTTCCCAGGTGCAAGT[G>A]CAACGGGCATGCCAGCGAGTGCGGCCCCGACGTGGCAGGCCAGTTGGCCTGCCGGTGCCA-3'
Protein context (NP_006050.3, residues 263-283): SDFSVGGRCK[Cys273Tyr]NGHASECGPD